The following is an entry in ClinVar:

ClinVar aggregate classification (germline): Conflicting classifications of pathogenicity. Review status: criteria provided, conflicting classifications (1 of 4 stars). 9 submissions from 9 submitters: Likely pathogenic (3); Uncertain significance (4). 2 of the submissions do not count toward it. Last evaluated 2023-08-24.

Conditions:
Galactosylceramide beta-galactosidase deficiency. Also called: Leukodystrophy, Globoid Cell; GALACTOCEREBROSIDASE DEFICIENCY; GALC DEFICIENCY; GLOBOID CELL LEUKOENCEPHALOPATHY; Krabbe Disease. Identifiers: Orphanet 487, MedGen C0023521, MONDO:0009499, OMIM 245200.

Allele frequency attached by ClinVar (database versions not stated): gnomAD exomes below 0.00001; TOPMed below 0.00001; gnomAD 0.00001.
gnomAD v4.1: 3 of 1,612,756 alleles (0.00019%); highest among the groups gnomAD compares: Non-Finnish European, 0.00025%; no homozygotes.

Submissions (9):

Labcorp Genetics (formerly Invitae), Labcorp
Classification: Uncertain significance for Galactosylceramide beta-galactosidase deficiency. Last evaluated: 2023-08-24. Review status: criteria provided, single submitter. Criteria: Invitae Variant Classification Sherloc (09022015). Collection method: clinical testing. Allele origin: germline.
Comment: ClinVar contains an entry for this variant (Variation ID: 555965). In summary, the available evidence is currently insufficient to determine the role of this variant in disease. Therefore, it has been classified as a Variant of Uncertain Significance. Experimental studies have shown that this missense change affects GALC function (PMID: 27638593). Advanced modeling of protein sequence and biophysical properties (such as structural, functional, and spatial information, amino acid conservation, physicochemical variation, residue mobility, and thermodynamic stability) performed at Invitae indicates that this missense variant is expected to disrupt GALC protein function. This variant is also known as p.L634P. This missense change has been observed in individual(s) with Krabbe disease (PMID: 30089515). This variant is present in population databases (no rsID available, gnomAD 0.002%). This sequence change replaces leucine, which is neutral and non-polar, with proline, which is neutral and non-polar, at codon 650 of the GALC protein (p.Leu650Pro).

Revvity Omics, Revvity
Classification: Uncertain significance. Last evaluated: 2023-08-10. Review status: criteria provided, single submitter. Criteria: ACMG Guidelines, 2015. Collection method: clinical testing. Allele origin: germline.

Institute of Human Genetics, University of Leipzig Medical Center
Classification: Likely pathogenic for Galactosylceramide beta-galactosidase deficiency. Last evaluated: 2023-06-06. Review status: criteria provided, single submitter. Criteria: ACMG Guidelines, 2015. Collection method: clinical testing. Allele origin: unknown. Inheritance: Autosomal recessive inheritance. Affected: yes.
Comment: Criteria applied: PS3_MOD,PM3,PM2_SUP,PP3

Centre of Medical Genetics, University Hospital Muenster
Classification: Likely pathogenic. Last evaluated: 2023-05-24. Review status: criteria provided, single submitter. Criteria: ACMG Guidelines, 2015. Collection method: clinical testing. Allele origin: unknown. Affected: yes. Observed: 1 variant allele, 1 heterozygote.
Comment: ACMG categories: PM2,PM3,PP3,PP4

Institute for Clinical Genetics, University Hospital TU Dresden, University Hospital TU Dresden
Classification: Likely pathogenic for Galactosylceramide beta-galactosidase deficiency. Last evaluated: 2022-08-23. Review status: criteria provided, single submitter. Criteria: ACMG Guidelines, 2015. Collection method: clinical testing. Allele origin: germline. Affected: yes.
Comment: PM2_SUP, PP3_MOD, PP4_STR, PM3_MOD

Women's Health and Genetics/Laboratory Corporation of America, LabCorp
Classification: Uncertain significance. Last evaluated: 2021-05-15. Review status: criteria provided, single submitter. Criteria: LabCorp Variant Classification Summary - May 2015. Collection method: clinical testing. Allele origin: germline.
Comment: Variant summary: GALC c.1949T>C (p.Leu650Pro) (legacy name p.Leu634Pro) results in a non-conservative amino acid change in the encoded protein sequence. Five of five in-silico tools predict a damaging effect of the variant on protein function. The variant allele was found at a frequency of 4e-06 in 247910 control chromosomes. The available data on variant occurrences in the general population are insufficient to allow any conclusion about variant significance. c.1949T>C has always been reported in the literature as a complex allele in combination with another variant, p.Ile562Thr (legacy name p.Ile546Thr) in settings of newborn screening for Krabbe's disease and in compound heterozygosity with another complex allele combination in at-least one individual affected with Krabbe Disease (example, Saavendra-Matiz_2016, Bascou_2018). These report(s) do not provide unequivocal conclusions about association of the variant in isolation with Krabbe Disease. To our knowledge, no experimental evidence demonstrating an impact on protein function has been reported. Two clinical diagnostic laboratories have submitted clinical-significance assessments for this variant to ClinVar after 2014 without evidence for independent evaluation. All laboratories classified the variant as uncertain significance. Based on the evidence outlined above, the variant was classified as uncertain significance.

CeGaT Center for Human Genetics Tuebingen
Classification: Uncertain significance. Last evaluated: 2016-06-01. Review status: criteria provided, single submitter. Criteria: CeGaT Center For Human Genetics Tuebingen Variant Classification Criteria Version 2. Collection method: clinical testing. Allele origin: germline. Affected: yes. Observed: 1 variant allele.

Natera, Inc.
Classification: Uncertain significance for Galactosylceramide beta-galactosidase deficiency. Last evaluated: 2020-12-29. Review status: no assertion criteria provided. Collection method: clinical testing. Allele origin: germline. Not counted in ClinVar's aggregate classification.

Counsyl
Classification: Uncertain significance for Galactosylceramide beta-galactosidase deficiency. Last evaluated: 2018-01-08. Review status: no assertion criteria provided. Collection method: clinical testing. Allele origin: unknown. Not counted in ClinVar's aggregate classification.

Literature cited by the submitters: PubMed 27638593 (cited by 3 submitters); PubMed 30089515 (cited by Labcorp Genetics (formerly Invitae), Labcorp and Women's Health and Genetics/Laboratory Corporation of America, LabCorp).

NM_000153.4(GALC):c.1949T>C (p.Leu650Pro)

Gene: GALC (galactosylceramidase; minus strand). Cytogenetic location: 14q31.3.
Variant type: single nucleotide variant.
Coding change: c.1949T>C on transcript NM_000153.4 (MANE Select); coding-DNA position 1949, T replaced by C.
Protein change: p.Leu650Pro; replaces leucine 650 with proline.
Molecular consequence: missense variant.
Genome position (GRCh38, 1-based): chr14:87,934,841, A>G on the plus strand (T>C on the coding strand, the complement: GALC is on the minus strand). VCF-style: chr14-87934841-A-G. GRCh37 (hg19) VCF-style: chr14-88401185-A-G.
Other names: c.1880T>C, p.Leu627Pro (NM_001201401.2); c.1871T>C, p.Leu624Pro (NM_001201402.2); short protein forms L650P, L624P, L627P.
Identifiers: ClinVar variation 555965 (VCV000555965.57), dbSNP rs1249991480, ClinGen allele CA390745306.